The following is an entry in ClinVar:

ClinVar aggregate classification (germline): Uncertain significance (1 of 4 stars; one submission).

Conditions:
Bardet-Biedl syndrome (BBS). Identifiers: Orphanet 110, MedGen C0752166, MONDO:0015229.

Allele frequency attached by ClinVar (database versions not stated): gnomAD exomes below 0.00001.
gnomAD v4.1: 1 of 1,613,854 alleles (0.000062%); highest among the groups gnomAD compares: Admixed American, 0.0017%; no homozygotes.

Submission:

Labcorp Genetics (formerly Invitae), Labcorp
Classification: Uncertain significance for Bardet-Biedl syndrome. Last evaluated: 2022-08-20. Review status: criteria provided, single submitter. Criteria: Invitae Variant Classification Sherloc (09022015). Collection method: clinical testing. Allele origin: germline.
Comment: In summary, the available evidence is currently insufficient to determine the role of this variant in disease. Therefore, it has been classified as a Variant of Uncertain Significance. Algorithms developed to predict the effect of missense changes on protein structure and function (SIFT, PolyPhen-2, Align-GVGD) all suggest that this variant is likely to be disruptive. ClinVar contains an entry for this variant (Variation ID: 1514482). This variant has not been reported in the literature in individuals affected with BBS9-related conditions. This variant is present in population databases (no rsID available, gnomAD 0.003%). This sequence change replaces glycine, which is neutral and non-polar, with cysteine, which is neutral and slightly polar, at codon 182 of the BBS9 protein (p.Gly182Cys).

NM_198428.3(BBS9):c.544G>T (p.Gly182Cys)

Gene: BBS9 (Bardet-Biedl syndrome 9; plus strand). Cytogenetic location: 7p14.3.
Variant type: single nucleotide variant.
Coding change: c.544G>T on transcript NM_198428.3 (MANE Select); coding-DNA position 544, G replaced by T.
Protein change: p.Gly182Cys; replaces glycine 182 with cysteine.
Molecular consequence: missense variant. On other transcripts: non-coding transcript variant (3).
Genome position (GRCh38, 1-based): chr7:33,257,337, G>T. VCF-style: chr7-33257337-G-T. GRCh37 (hg19) VCF-style: chr7-33296949-G-T.
Other names: c.544G>T, p.Gly182Cys (NM_001033604.2, NM_001033605.2, NM_001348036.1 and 5 more transcripts); c.178G>T, p.Gly60Cys (NM_001348037.3, NM_001348044.3, NM_001348045.3 and 1 more transcripts); c.271G>T, p.Gly91Cys (NM_001348038.3, NM_001348039.3); c.409G>T, p.Gly137Cys (NM_001348042.3); short protein forms G91C, G137C, G182C, G60C.
Identifiers: ClinVar variation 1514482 (VCV001514482.8), dbSNP rs946999139, ClinGen allele CA367252900.
Genomic context (GRCh38, chr7:33,257,337, plus strand): 5'-ATGGTATTTGAGCAGGAGAGCTATGCTTTTGGAAGATTTCTCCCTGGCTTTCTTCTGCCT[G>T]GTCCTCTTGCCTACAGTTCCCGTACAGATTCCTTCCTTACTGTCTCTTCCTGCCAACAAG-3'
Protein context (NP_940820.1, residues 172-192): GRFLPGFLLP[Gly182Cys]PLAYSSRTDS